The following is an entry in ClinVar:

ClinVar aggregate classification (germline): Uncertain significance (1 of 4 stars; one submission).

Conditions:
Developmental and epileptic encephalopathy, 12 (DEE12). Identifiers: MedGen C3150988, MONDO:0013389, OMIM 613722.

Submission:

Labcorp Genetics (formerly Invitae), Labcorp
Classification: Uncertain significance for Developmental and epileptic encephalopathy, 12. Last evaluated: 2022-02-18. Review status: criteria provided, single submitter. Criteria: Invitae Variant Classification Sherloc (09022015). Collection method: clinical testing. Allele origin: germline.
Comment: ClinVar contains an entry for this variant (Variation ID: 478787). This variant has not been reported in the literature in individuals affected with PNKP-related conditions. This variant is not present in population databases (gnomAD no frequency). This sequence change replaces lysine, which is basic and polar, with asparagine, which is neutral and polar, at codon 302 of the PNKP protein (p.Lys302Asn). Algorithms developed to predict the effect of missense changes on protein structure and function are either unavailable or do not agree on the potential impact of this missense change (SIFT: "Tolerated"; PolyPhen-2: "Probably Damaging"; Align-GVGD: "Class C0"). In summary, the available evidence is currently insufficient to determine the role of this variant in disease. Therefore, it has been classified as a Variant of Uncertain Significance.

NM_007254.4(PNKP):c.906G>C (p.Lys302Asn)

Gene: PNKP (polynucleotide kinase 3'-phosphatase; minus strand). Cytogenetic location: 19q13.33.
Variant type: single nucleotide variant.
Coding change: c.906G>C on transcript NM_007254.4 (MANE Select); coding-DNA position 906, G replaced by C.
Protein change: p.Lys302Asn; replaces lysine 302 with asparagine.
Molecular consequence: missense variant.
Genome position (GRCh38, 1-based): chr19:49,862,568, C>G on the plus strand (G>C on the coding strand, the complement: PNKP is on the minus strand). VCF-style: chr19-49862568-C-G. GRCh37 (hg19) VCF-style: chr19-50365825-C-G.
Other names: short protein forms K302N.
Identifiers: ClinVar variation 478787 (VCV000478787.11), dbSNP rs1555811171, ClinGen allele CA406881963.
Genomic context (GRCh38, chr19:49,862,568, plus strand): 5'-CGGGCGCGGGGCAGGGGGCAGGGGCCTCACCAGGCGATCGGCGCAGGAGAAGTCTTTCTT[C>G]TTCCGCCCCGGGGCCCAGTTGGCCGGGCGTCCGGCTGCGTCTGGAACACACGGGACACCC-3'
Protein context (NP_009185.2, residues 292-312): GRPANWAPGR[Lys302Asn]KKDFSCADRL